The following is an entry in ClinVar:

ClinVar aggregate classification (germline): Uncertain significance. Review status: criteria provided, multiple submitters, no conflicts (2 of 4 stars). 2 submissions from 2 submitters: Uncertain significance (2). Last evaluated 2024-06-26.

Conditions:
Developmental and epileptic encephalopathy, 9 (DEE9). Also called: Early infantile epileptic encephalopathy 9; EPILEPSY, FEMALE-RESTRICTED, WITH MENTAL RETARDATION; JUBERG-HELLMAN SYNDROME; PCDH19-Related X-Linked Female-Limited Epilepsy with Mental Retardation. Identifiers: Orphanet 101039, Orphanet 2076, MedGen C1848137, MONDO:0010246, OMIM 300088. Disease mechanism: loss of function.
Inborn genetic diseases. Identifiers: MedGen C0950123, MeSH D030342.

Allele frequency attached by ClinVar (database versions not stated): gnomAD 0.00001; gnomAD exomes 0.00001 and 0.00002; TOPMed 0.00002; ExAC 0.00003.
gnomAD v4.1: 26 of 1,210,207 alleles (0.0021%); highest among the groups gnomAD compares: Non-Finnish European, 0.0029%; no homozygotes.

Submissions (2):

Ambry Genetics
Classification: Uncertain significance for Inborn genetic diseases. Last evaluated: 2024-06-26. Review status: criteria provided, single submitter. Criteria: Ambry Variant Classification Scheme 2023. Collection method: clinical testing. Allele origin: germline.

Labcorp Genetics (formerly Invitae), Labcorp
Classification: Uncertain significance for Developmental and epileptic encephalopathy, 9. Last evaluated: 2023-12-19. Review status: criteria provided, single submitter. Criteria: Invitae Variant Classification Sherloc (09022015). Collection method: clinical testing. Allele origin: germline.
Comment: This sequence change replaces leucine, which is neutral and non-polar, with phenylalanine, which is neutral and non-polar, at codon 473 of the PCDH19 protein (p.Leu473Phe). This variant is present in population databases (rs751977016, gnomAD 0.008%). This variant has not been reported in the literature in individuals affected with PCDH19-related conditions. ClinVar contains an entry for this variant (Variation ID: 1425668). Advanced modeling of protein sequence and biophysical properties (such as structural, functional, and spatial information, amino acid conservation, physicochemical variation, residue mobility, and thermodynamic stability) performed at Invitae indicates that this missense variant is not expected to disrupt PCDH19 protein function with a negative predictive value of 95%. In summary, the available evidence is currently insufficient to determine the role of this variant in disease. Therefore, it has been classified as a Variant of Uncertain Significance.

NM_001184880.2(PCDH19):c.1417C>T (p.Leu473Phe)

Gene: PCDH19 (protocadherin 19; minus strand). Cytogenetic location: Xq22.1.
Variant type: single nucleotide variant.
Coding change: c.1417C>T on transcript NM_001184880.2 (MANE Select); coding-DNA position 1417, C replaced by T.
Protein change: p.Leu473Phe; replaces leucine 473 with phenylalanine.
Molecular consequence: missense variant.
Genome position (GRCh38, 1-based): chrX:100,407,181, G>A on the plus strand (C>T on the coding strand, the complement: PCDH19 is on the minus strand). VCF-style: chrX-100407181-G-A. GRCh37 (hg19) VCF-style: chrX-99662179-G-A.
Other names: c.1417C>T, p.Leu473Phe (NM_001105243.2, NM_020766.3); c.1417C>T (NM_001184880.1); short protein forms L473F.
Identifiers: ClinVar variation 1425668 (VCV001425668.7), dbSNP rs751977016, ClinGen allele CA10468887.